The following is an entry in ClinVar:

NM_000785.4(CYP27B1):c.505del (p.Arg168_Leu169insTer)

Gene: CYP27B1 (cytochrome P450 family 27 subfamily B member 1; minus strand). Cytogenetic location: 12q14.1.
Variant type: Deletion.
Coding change: c.505del on transcript NM_000785.4 (MANE Select); coding-DNA position 505, one base deleted (C; older notation c.505delC).
Protein change: p.Arg168_Leu169insTer.
Molecular consequence: nonsense.
Genome position (GRCh38, 1-based): chr12:57,765,381, G deleted on the plus strand (C on the coding strand, the reverse complement: CYP27B1 is on the minus strand). VCF-style (leftmost placement, unchanged base first): chr12-57765380-AG-A. GRCh37 (hg19) VCF-style: chr12-58159163-AG-A.
Identifiers: ClinVar variation 2862059 (VCV002862059.3), dbSNP rs2540917461, ClinGen allele CA2739272104.

ClinVar aggregate classification (germline): Pathogenic (1 of 4 stars; one submission).

Submission:

Labcorp Genetics (formerly Invitae), Labcorp
Classification: Pathogenic. Last evaluated: 2023-05-05. Review status: criteria provided, single submitter. Criteria: Invitae Variant Classification Sherloc (09022015). Collection method: clinical testing. Allele origin: germline.
Comment: For these reasons, this variant has been classified as Pathogenic. This variant has not been reported in the literature in individuals affected with CYP27B1-related conditions. This variant is not present in population databases (gnomAD no frequency). This sequence change creates a premature translational stop signal (p.Leu169*) in the CYP27B1 gene. It is expected to result in an absent or disrupted protein product. Loss-of-function variants in CYP27B1 are known to be pathogenic (PMID: 9837822, 17488797).

Literature cited by the submitters: PubMed 9837822; PubMed 17488797.